The following is an entry in ClinVar:

ClinVar aggregate classification (germline): Uncertain significance (1 of 4 stars; one submission).

Conditions:
Hereditary cancer-predisposing syndrome. Also called: Hereditary Cancer Syndrome; Hereditary neoplastic syndrome; Neoplastic Syndromes, Hereditary; Tumor predisposition. Identifiers: Orphanet 140162, MedGen C0027672, MeSH D009386, MONDO:0015356.

Submission:

Ambry Genetics
Classification: Uncertain significance for Hereditary cancer-predisposing syndrome. Last evaluated: 2024-09-27. Review status: criteria provided, single submitter. Criteria: Ambry Variant Classification Scheme 2023. Collection method: clinical testing. Allele origin: germline.
Comment: The p.Y436C variant (also known as c.1307A>G), located in coding exon 10 of the SDHA gene, results from an A to G substitution at nucleotide position 1307. The tyrosine at codon 436 is replaced by cysteine, an amino acid with highly dissimilar properties. This amino acid position is conserved. In addition, this alteration is predicted to be deleterious by in silico analysis. Since supporting evidence is limited at this time, the clinical significance of this alteration remains unclear.

NM_004168.4(SDHA):c.1307A>G (p.Tyr436Cys)

Gene: SDHA (succinate dehydrogenase complex flavoprotein subunit A; plus strand). Cytogenetic location: 5p15.33.
Variant type: single nucleotide variant.
Coding change: c.1307A>G on transcript NM_004168.4 (MANE Select); coding-DNA position 1307, A replaced by G.
Protein change: p.Tyr436Cys; replaces tyrosine 436 with cysteine.
Molecular consequence: missense variant.
Genome position (GRCh38, 1-based): chr5:236,474, A>G. VCF-style: chr5-236474-A-G. GRCh37 (hg19) VCF-style: chr5-236589-A-G.
Other names: c.1163A>G, p.Tyr388Cys (NM_001294332.2); c.1307A>G, p.Tyr436Cys (NM_001330758.2); short protein forms Y436C, Y388C.
Identifiers: ClinVar variation 1769543 (VCV001769543.3), dbSNP rs2477374992, ClinGen allele CA359013892.
Genomic context (GRCh38, chr5:236,474, plus strand): 5'-CTTCCTTTCCACAGGTCCTGAGGCACGTGAATGGCCAGGATCAGATTGTGCCCGGCCTGT[A>G]CGCCTGTGGGGAGGCCGCCTGTGCCTCGGTACATGGTGCCAACCGCCTCGGGGCAAACTC-3'
Protein context (NP_004159.2, residues 426-446): NGQDQIVPGL[Tyr436Cys]ACGEAACASV